The following is an entry in ClinVar:

ClinVar aggregate classification (germline): Uncertain significance (1 of 4 stars; one submission).

Conditions:
Spastic paraplegia. Identifiers: MedGen C0037772, HP:0001258.

Submission:

Labcorp Genetics (formerly Invitae), Labcorp
Classification: Uncertain significance for Spastic paraplegia. Last evaluated: 2024-03-05. Review status: criteria provided, single submitter. Criteria: Invitae Variant Classification Sherloc (09022015). Collection method: clinical testing. Allele origin: germline.
Comment: This sequence change replaces arginine, which is basic and polar, with leucine, which is neutral and non-polar, at codon 585 of the KDM5C protein (p.Arg585Leu). This variant is not present in population databases (gnomAD no frequency). This variant has not been reported in the literature in individuals affected with KDM5C-related conditions. Advanced modeling of protein sequence and biophysical properties (such as structural, functional, and spatial information, amino acid conservation, physicochemical variation, residue mobility, and thermodynamic stability) performed at Invitae indicates that this missense variant is expected to disrupt KDM5C protein function with a positive predictive value of 95%. In summary, the available evidence is currently insufficient to determine the role of this variant in disease. Therefore, it has been classified as a Variant of Uncertain Significance.

NM_004187.5(KDM5C):c.1754G>T (p.Arg585Leu)

Gene: KDM5C (lysine demethylase 5C; minus strand). Cytogenetic location: Xp11.22.
Variant type: single nucleotide variant.
Coding change: c.1754G>T on transcript NM_004187.5 (MANE Select); coding-DNA position 1754, G replaced by T.
Protein change: p.Arg585Leu; replaces arginine 585 with leucine.
Molecular consequence: missense variant. On other transcripts: non-coding transcript variant (3).
Genome position (GRCh38, 1-based): chrX:53,201,966, C>A on the plus strand (G>T on the coding strand, the complement: KDM5C is on the minus strand). VCF-style: chrX-53201966-C-A. GRCh37 (hg19) VCF-style: chrX-53231148-C-A.
Other names: c.1553G>T, p.Arg518Leu (NM_001146702.2); c.1751G>T, p.Arg584Leu (NM_001282622.3, NM_001353979.2, NM_001353982.2); c.1754G>T, p.Arg585Leu (NM_001353978.3, NM_001353981.2, NM_001353984.2); short protein forms R518L, R585L, R584L.
Identifiers: ClinVar variation 3644559 (VCV003644559.2).